The following is an entry in ClinVar:

ClinVar aggregate classification (germline): Uncertain significance (1 of 4 stars; one submission).

Conditions:
DICER1-related tumor predisposition. Also called: DICER1-related pleuropulmonary blastoma cancer predisposition syndrome; DICER1 syndrome. Identifiers: Orphanet 284343, MedGen C3839822, MONDO:0100216.

gnomAD v4.1: 1 of 1,613,930 alleles (0.000062%); highest among the groups gnomAD compares: Non-Finnish European, 0.000085%; no homozygotes.

Submission:

Labcorp Genetics (formerly Invitae), Labcorp
Classification: Uncertain significance for DICER1-related tumor predisposition. Last evaluated: 2025-11-24. Review status: criteria provided, single submitter. Criteria: Invitae Variant Classification Sherloc (09022015). Collection method: clinical testing. Allele origin: germline.
Comment: This sequence change replaces serine, which is neutral and polar, with cysteine, which is neutral and slightly polar, at codon 828 of the DICER1 protein (p.Ser828Cys). This variant is not present in population databases (gnomAD no frequency). This variant has not been reported in the literature in individuals affected with DICER1-related conditions. ClinVar contains an entry for this variant (Variation ID: 2860578). Invitae Evidence Modeling of protein sequence and biophysical properties (such as structural, functional, and spatial information, amino acid conservation, physicochemical variation, residue mobility, and thermodynamic stability) indicates that this missense variant is not expected to disrupt DICER1 protein function with a negative predictive value of 95%. In summary, the available evidence is currently insufficient to determine the role of this variant in disease. Therefore, it has been classified as a Variant of Uncertain Significance.

NM_177438.3(DICER1):c.2483C>G (p.Ser828Cys)

Gene: DICER1 (dicer 1, ribonuclease III; minus strand). Cytogenetic location: 14q32.13.
Variant type: single nucleotide variant.
Coding change: c.2483C>G on transcript NM_177438.3 (MANE Select); coding-DNA position 2483, C replaced by G.
Protein change: p.Ser828Cys; replaces serine 828 with cysteine.
Molecular consequence: missense variant. On other transcripts: non-coding transcript variant (6).
Genome position (GRCh38, 1-based): chr14:95,108,047, G>C on the plus strand (C>G on the coding strand, the complement: DICER1 is on the minus strand). VCF-style: chr14-95108047-G-C. GRCh37 (hg19) VCF-style: chr14-95574384-G-C.
Other names: c.2483C>G, p.Ser828Cys (NM_001195573.1, NM_001271282.3, NM_001291628.2 and 13 more transcripts); c.2201C>G, p.Ser734Cys (NM_001395686.1); c.2078C>G, p.Ser693Cys (NM_001395687.1, NM_001395688.1, NM_001395689.1 and 2 more transcripts); c.1916C>G, p.Ser639Cys (NM_001395691.1); c.800C>G, p.Ser267Cys (NM_001395697.1); short protein forms S734C, S639C, S828C, S267C, S693C.
Identifiers: ClinVar variation 2860578 (VCV002860578.3), dbSNP rs2542843023, ClinGen allele CA390881933.